The following is an entry in ClinVar:

ClinVar aggregate classification (germline): Likely pathogenic (1 of 4 stars; one submission).

Conditions:
Finnish congenital nephrotic syndrome (NPHS1). Also called: NEPHROTIC SYNDROME, TYPE 1. Identifiers: Orphanet 839, MedGen C0403399, MONDO:0009732, OMIM 256300.

Allele frequency attached by ClinVar (database versions not stated): TOPMed below 0.00001.

Submission:

Natera, Inc.
Classification: Likely pathogenic for Finnish congenital nephrotic syndrome. Last evaluated: 2025-08-08. Review status: criteria provided, single submitter. Criteria: Natera Variant Classification Schema (03/2026). Collection method: clinical testing. Allele origin: germline.
Comment: The c.2386G>C variant in NPHS1 is a missense variant predicted to cause substitution of glycine to arginine at amino acid 796. This variant is rare in the general population with a frequency below the threshold expected for the associated phenotype(s). This variant has been observed in one or more individuals affected with the associated recessive disease, as either homozygous or compound heterozygous with a second variant (PMID: 31443662, 31456999). This variant has been identified in one or more affected individuals with a phenotype highly consistent with the associated gene (PMID: 31443662). Computational prediction algorithms indicate this variant is likely to affect gene or protein function. Given the available evidence, this variant is classified as Likely Pathogenic.

Literature cited by the submitters: PubMed 31443662; PubMed 31456999.

NM_004646.4(NPHS1):c.2386G>C (p.Gly796Arg)

Gene: NPHS1 (NPHS1 adhesion molecule, nephrin; minus strand). Cytogenetic location: 19q13.12.
Variant type: single nucleotide variant.
Coding change: c.2386G>C on transcript NM_004646.4 (MANE Select); coding-DNA position 2386, G replaced by C.
Protein change: p.Gly796Arg; replaces glycine 796 with arginine.
Molecular consequence: missense variant.
Genome position (GRCh38, 1-based): chr19:35,842,499, C>G on the plus strand (G>C on the coding strand, the complement: NPHS1 is on the minus strand). VCF-style: chr19-35842499-C-G. GRCh37 (hg19) VCF-style: chr19-36333401-C-G.
Other names: short protein forms G796R.
Identifiers: ClinVar variation 3239956 (VCV003239956.3), dbSNP rs1462077116.